The following is an entry in ClinVar:

ClinVar aggregate classification (germline): Uncertain significance (1 of 4 stars; one submission).

Submission:

GeneDx
Classification: Uncertain significance. Last evaluated: 2023-07-10. Review status: criteria provided, single submitter. Criteria: GeneDx Variant Classification Process June 2021. Collection method: clinical testing. Allele origin: germline. Affected: yes.
Comment: Not observed at significant frequency in large population cohorts (gnomAD); In silico analysis supports that this missense variant does not alter protein structure/function; Has not been previously published as pathogenic or benign to our knowledge

NM_000256.3(MYBPC3):c.2230G>C (p.Glu744Gln)

Gene: MYBPC3 (myosin binding protein C3; minus strand). Cytogenetic location: 11p11.2.
Variant type: single nucleotide variant.
Coding change: c.2230G>C on transcript NM_000256.3 (MANE Select); coding-DNA position 2230, G replaced by C.
Protein change: p.Glu744Gln; replaces glutamic acid 744 with glutamine.
Molecular consequence: missense variant.
Genome position (GRCh38, 1-based): chr11:47,338,598, C>G on the plus strand (G>C on the coding strand, the complement: MYBPC3 is on the minus strand). VCF-style: chr11-47338598-C-G. GRCh37 (hg19) VCF-style: chr11-47360149-C-G.
Other names: short protein forms E744Q.
Identifiers: ClinVar variation 3360847 (VCV003360847.1).